The following is an entry in ClinVar:

NM_004333.6(BRAF):c.240+6C>T

Gene: BRAF (B-Raf proto-oncogene, serine/threonine kinase; minus strand). Cytogenetic location: 7q34.
Variant type: single nucleotide variant.
Coding change: c.240+6C>T on transcript NM_004333.6 (MANE Select); 6 bases into the intron after coding-DNA position 240, C replaced by T.
Molecular consequence: intron variant.
Genome position (GRCh38, 1-based): chr7:140,850,105, G>A on the plus strand (C>T on the coding strand, the complement: BRAF is on the minus strand). VCF-style: chr7-140850105-G-A. GRCh37 (hg19) VCF-style: chr7-140549905-G-A.
Other names: c.240+6C>T (NM_001378474.1, NM_001378475.1, NM_001378471.1 and 6 more transcripts); c.139-15233C>T (NM_001378470.1); c.84+6C>T (NM_001378472.1, NM_001378473.1).
Identifiers: ClinVar variation 516854 (VCV000516854.32), dbSNP rs1320075163, ClinGen allele CA578396137.

ClinVar aggregate classification (germline): Conflicting classifications of pathogenicity. Review status: criteria provided, conflicting classifications (1 of 4 stars). 4 submissions from 4 submitters: Uncertain significance (1); Likely benign (3). Last evaluated 2025-12-19.

Conditions:
RASopathy. Also called: Noonan spectrum disorder; rasopathies. Identifiers: Orphanet 536391, MedGen C5555857, MONDO:0021060.

Allele frequency attached by ClinVar (database versions not stated): gnomAD 0.00002; gnomAD exomes 0.00002 and 0.00004; TOPMed 0.00004.
gnomAD v4.1: 54 of 1,583,380 alleles (0.0034%); highest among the groups gnomAD compares: Non-Finnish European, 0.0043%; no homozygotes.

Submissions (4):

Labcorp Genetics (formerly Invitae), Labcorp
Classification: Uncertain significance for RASopathy. Last evaluated: 2025-12-19. Review status: criteria provided, single submitter. Criteria: Invitae Variant Classification Sherloc (09022015). Collection method: clinical testing. Allele origin: germline.
Comment: This sequence change falls in intron 2 of the BRAF gene. It does not directly change the encoded amino acid sequence of the BRAF protein. It affects a nucleotide within the consensus splice site. This variant is present in population databases (no rsID available, gnomAD 0.004%). This variant has not been reported in the literature in individuals affected with BRAF-related conditions. ClinVar contains an entry for this variant (Variation ID: 516854). Variants that disrupt the consensus splice site are a relatively common cause of aberrant splicing (PMID: 17576681, 9536098). Algorithms developed to predict the effect of sequence changes on RNA splicing suggest that this variant is not likely to affect RNA splicing. In summary, the available evidence is currently insufficient to determine the role of this variant in disease. Therefore, it has been classified as a Variant of Uncertain Significance.

Blueprint Genetics
Classification: Likely benign. Last evaluated: 2024-01-30. Review status: criteria provided, single submitter. Criteria: ACMG Guidelines, 2015. Collection method: clinical testing. Allele origin: germline.

CeGaT Center for Human Genetics Tuebingen
Classification: Likely benign. Last evaluated: 2023-05-01. Review status: criteria provided, single submitter. Criteria: CeGaT Center For Human Genetics Tuebingen Variant Classification Criteria Version 2. Collection method: clinical testing. Allele origin: germline. Affected: yes. Observed: 2 variant alleles.
Comment: BRAF: BP4

GeneDx
Classification: Likely benign. Last evaluated: 2018-01-06. Review status: criteria provided, single submitter. Criteria: GeneDx Variant Classification (06012015). Collection method: clinical testing. Allele origin: germline. Affected: yes.
Comment: This variant is considered likely benign or benign based on one or more of the following criteria: it is a conservative change, it occurs at a poorly conserved position in the protein, it is predicted to be benign by multiple in silico algorithms, and/or has population frequency not consistent with disease.

Literature cited by the submitters: PubMed 17576681 (cited by Labcorp Genetics (formerly Invitae), Labcorp); PubMed 9536098 (cited by Labcorp Genetics (formerly Invitae), Labcorp).